The following is an entry in ClinVar:

ClinVar aggregate classification (germline): Uncertain significance. Review status: criteria provided, multiple submitters, no conflicts (2 of 4 stars). 2 submissions from 2 submitters: Uncertain significance (2). Last evaluated 2025-09-04.

Conditions:
TENM1-related disorder. Also called: TENM1-related condition.

Allele frequency attached by ClinVar (database versions not stated): TOPMed below 0.00001.
gnomAD v4.1: 1 of 1,211,279 alleles (0.000083%); highest among the groups gnomAD compares: Admixed American, 0.0022%; no homozygotes.

Submissions (2):

Ambry Genetics
Classification: Uncertain significance. Last evaluated: 2025-09-04. Review status: criteria provided, single submitter. Criteria: Ambry Variant Classification Scheme 2023. Collection method: clinical testing. Allele origin: germline.

PreventionGenetics, part of Exact Sciences
Classification: Uncertain significance for TENM1-related condition. Last evaluated: 2022-12-06. Review status: criteria provided, single submitter. Criteria: ACMG Guidelines, 2015. Collection method: clinical testing. Allele origin: germline.
Comment: The TENM1 c.2803G>C variant is predicted to result in the amino acid substitution p.Val935Leu. To our knowledge, this variant has not been reported in the literature or in a large population database, indicating this variant is rare. At this time, the clinical significance of this variant is uncertain due to the absence of conclusive functional and genetic evidence.

NM_001163278.2(TENM1):c.2803G>C (p.Val935Leu)

Gene: TENM1 (teneurin transmembrane protein 1; minus strand). Cytogenetic location: Xq25.
Variant type: single nucleotide variant.
Coding change: c.2803G>C on transcript NM_001163278.2 (MANE Select); coding-DNA position 2803, G replaced by C.
Protein change: p.Val935Leu; replaces valine 935 with leucine.
Molecular consequence: missense variant.
Genome position (GRCh38, 1-based): chrX:124,523,594, C>G on the plus strand (G>C on the coding strand, the complement: TENM1 is on the minus strand). VCF-style: chrX-124523594-C-G. GRCh37 (hg19) VCF-style: chrX-123657444-C-G.
Other names: c.2800G>C, p.Val934Leu (NM_001163279.1); c.2803G>C, p.Val935Leu (NM_014253.3); short protein forms V934L, V935L.
Identifiers: ClinVar variation 2635337 (VCV002635337.2), dbSNP rs777061902, ClinGen allele CA414283776.